The following is an entry in ClinVar:

ClinVar aggregate classification (germline): Uncertain significance (1 of 4 stars; one submission).

Submission:

Greenwood Genetic Center Diagnostic Laboratories, Greenwood Genetic Center
Classification: Uncertain significance. Last evaluated: 2023-07-31. Review status: criteria provided, single submitter. Criteria: ACMG Guidelines, 2015. Collection method: clinical testing. Allele origin: germline. Affected: yes.
Comment: Gene of Uncertain Significance

NM_001967.4(EIF4A2):c.1060C>T (p.Arg354Cys)

Gene: EIF4A2 (eukaryotic translation initiation factor 4A2; plus strand). Cytogenetic location: 3q27.3.
Variant type: single nucleotide variant.
Coding change: c.1060C>T on transcript NM_001967.4 (MANE Select); coding-DNA position 1060, C replaced by T.
Protein change: p.Arg354Cys; replaces arginine 354 with cysteine.
Molecular consequence: missense variant.
Genome position (GRCh38, 1-based): chr3:186,787,863, C>T. VCF-style: chr3-186787863-C-T. GRCh37 (hg19) VCF-style: chr3-186505652-C-T.
Other names: short protein forms R354C.
Identifiers: ClinVar variation 2627013 (VCV002627013.1), dbSNP rs2473976567, ClinGen allele CA355726664.